The following is an entry in ClinVar:

NM_007294.4(BRCA1):c.5061T>G (p.Val1687=)

Gene: BRCA1 (BRCA1 DNA repair associated; minus strand). Cytogenetic location: 17q21.31.
Variant type: single nucleotide variant.
Coding change: c.5061T>G on transcript NM_007294.4 (MANE Select); coding-DNA position 5061, T replaced by G.
Protein change: p.Val1687=; no amino-acid change (valine 1687 retained).
Molecular consequence: synonymous variant. On other transcripts: intron variant (1).
Genome position (GRCh38, 1-based): chr17:43,067,621, A>C on the plus strand (T>G on the coding strand, the complement: BRCA1 is on the minus strand). VCF-style: chr17-43067621-A-C. GRCh37 (hg19) VCF-style: chr17-41219638-A-C.
Other names: c.1617T>G, p.Val539= (NM_001408451.1); c.1611T>G, p.Val537= (NM_001408452.1, NM_001408453.1, NM_001408454.1 and 3 more transcripts); c.1608T>G, p.Val536= (NM_001408458.1, NM_001408459.1, NM_001408460.1 and 7 more transcripts); c.1605T>G, p.Val535= (NM_001408468.1, NM_001408469.1, NM_001408470.1); c.1749T>G, p.Val583= (NM_001408472.1, NM_007298.4, NM_007299.4 and 13 more transcripts); c.1746T>G, p.Val582= (NM_001408473.1, NM_001408392.1, NM_001408396.1 and 8 more transcripts); c.1551T>G, p.Val517= (NM_001408474.1); c.1548T>G, p.Val516= (NM_001408475.1, NM_001408476.1); and 71 more.
Identifiers: ClinVar variation 868973 (VCV000868973.3), dbSNP rs1555579625, ClinGen allele CA500146309.

Conditions:
Breast-ovarian cancer, familial, susceptibility to, 1 (BROVCA1). Also called: BRCA1 Hereditary Breast and Ovarian Cancer; OVARIAN CANCER, SUSCEPTIBILITY TO. Identifiers: Orphanet 145, MedGen C2676676, MONDO:0011450, OMIM 604370. Disease mechanism: loss of function.

Submission:

Brotman Baty Institute, University of Washington
No classification provided (evidence only). Condition: Breast-ovarian cancer, familial 1. Review status: no classification provided. Collection method: in vitro. Allele origin: not applicable. Functional consequence: functionally_normal.
ClinVar note: "not provided" was previously submitted as the classification for the variant. However, the classification appeared to be based only on an observation of functional data so it was converted to no classification on 2025-07-30.